The following is an entry in ClinVar:

NM_000053.4(ATP7B):c.2157C>A (p.Tyr719Ter)

Gene: ATP7B (ATPase copper transporting beta; minus strand). Cytogenetic location: 13q14.3.
Variant type: single nucleotide variant.
Coding change: c.2157C>A on transcript NM_000053.4 (MANE Select); coding-DNA position 2157, C replaced by A.
Protein change: p.Tyr719Ter; replaces tyrosine 719 with a stop codon.
Molecular consequence: nonsense. On other transcripts: intron variant (2).
Genome position (GRCh38, 1-based): chr13:51,958,509, G>T on the plus strand (C>A on the coding strand, the complement: ATP7B is on the minus strand). VCF-style: chr13-51958509-G-T. GRCh37 (hg19) VCF-style: chr13-52532645-G-T.
Other names: c.1870-902C>A (NM_001005918.3); c.2122-902C>A (NM_001330578.2); c.1905C>A, p.Tyr635Ter (NM_001330579.2); c.1824C>A, p.Tyr608Ter (NM_001243182.2); short protein forms Y719*, Y608*, Y635*.
Identifiers: ClinVar variation 370295 (VCV000370295.14), dbSNP rs1057516380, ClinGen allele CA16041672.

ClinVar aggregate classification (germline): Pathogenic. Review status: criteria provided, multiple submitters, no conflicts (2 of 4 stars). 3 submissions from 3 submitters: Pathogenic (2). 1 of the submissions does not count toward it. Last evaluated 2023-10-26.

Conditions:
Wilson disease (WND). Also called: Wilson's disease. Identifiers: Orphanet 905, MedGen C0019202, MONDO:0010200, OMIM 277900. Disease mechanism: loss of function.

Submissions (3):

Labcorp Genetics (formerly Invitae), Labcorp
Classification: Pathogenic for Wilson disease. Last evaluated: 2023-10-26. Review status: criteria provided, single submitter. Criteria: Invitae Variant Classification Sherloc (09022015). Collection method: clinical testing. Allele origin: germline.
Comment: This sequence change creates a premature translational stop signal (p.Tyr719*) in the ATP7B gene. It is expected to result in an absent or disrupted protein product. Loss-of-function variants in ATP7B are known to be pathogenic (PMID: 10441329, 16283883). This variant is not present in population databases (gnomAD no frequency). This premature translational stop signal has been observed in individual(s) with Wilson's disease (PMID: 27022412, 30655162). ClinVar contains an entry for this variant (Variation ID: 370295). For these reasons, this variant has been classified as Pathogenic.

Genome-Nilou Lab
Classification: Pathogenic for Wilson disease. Last evaluated: 2021-08-10. Review status: criteria provided, single submitter. Criteria: ACMG Guidelines, 2015. Collection method: clinical testing. Allele origin: germline. Affected: no.

Counsyl
Classification: Likely pathogenic for Wilson disease. Last evaluated: 2016-01-14. Review status: no assertion criteria provided. Collection method: clinical testing. Allele origin: unknown. Not counted in ClinVar's aggregate classification.

Literature cited by the submitters: PubMed 10441329 (cited by Labcorp Genetics (formerly Invitae), Labcorp); PubMed 16283883 (cited by Labcorp Genetics (formerly Invitae), Labcorp); PubMed 27022412 (cited by Labcorp Genetics (formerly Invitae), Labcorp); PubMed 30655162 (cited by Labcorp Genetics (formerly Invitae), Labcorp).